The following is an entry in ClinVar:

NM_001130009.3(GEN1):c.523A>G (p.Lys175Glu)

Gene: GEN1 (GEN1 Holliday junction 5' flap endonuclease; plus strand). Cytogenetic location: 2p24.2.
Variant type: single nucleotide variant.
Coding change: c.523A>G on transcript NM_001130009.3 (MANE Select); coding-DNA position 523, A replaced by G.
Protein change: p.Lys175Glu; replaces lysine 175 with glutamic acid.
Molecular consequence: missense variant.
Genome position (GRCh38, 1-based): chr2:17,765,071, A>G. VCF-style: chr2-17765071-A-G. GRCh37 (hg19) VCF-style: chr2-17946338-A-G.
Other names: c.523A>G, p.Lys175Glu (NM_182625.5); short protein forms K175E.
Identifiers: ClinVar variation 4263042 (VCV004263042.1).
Genomic context (GRCh38, chr2:17,765,071, plus strand): 5'-GATGGAGATACTTTCCTTTATGGGGCCCAGACTGTTTACAGGAATTTCACTATGAATACA[A>G]AGGTGTTTATTTTCTTTCTCTTTTTCAGCATTTGTTTACGAACTACCTTTTTTAAAGGGC-3'
Protein context (NP_001123481.3, residues 165-185): TVYRNFTMNT[Lys175Glu]DPHVDCYTMS

ClinVar aggregate classification (germline): Uncertain significance (1 of 4 stars; one submission).

gnomAD v4.1: 1 of 1,613,258 alleles (0.000062%); highest among the groups gnomAD compares: Non-Finnish European, 0.000085%; no homozygotes.

Submission:

Ambry Genetics
Classification: Uncertain significance. Last evaluated: 2025-07-21. Review status: criteria provided, single submitter. Criteria: Ambry Variant Classification Scheme 2023. Collection method: clinical testing. Allele origin: germline.
Comment: The p.K175E variant (also known as c.523A>G), located in coding exon 3 of the GEN1 gene, results from an A to G substitution at nucleotide position 523. The lysine at codon 175 is replaced by glutamic acid, an amino acid with similar properties. This amino acid position is conserved. In addition, the in silico prediction for this alteration is inconclusive. Based on the available evidence, the clinical significance of this variant remains unclear.